The following is an entry in ClinVar:

ClinVar aggregate classification (germline): Pathogenic (1 of 4 stars; one submission).

Conditions:
BAP1-related tumor predisposition syndrome (TPDS1). Also called: BAP1 tumor predisposition syndrome; COMMON Syndrome; TUMOR PREDISPOSITION SYNDROME 1; Tumor susceptibility linked to germline BAP1 mutations. Identifiers: Orphanet 289539, MedGen C3280492, MONDO:0013692, OMIM 614327.

Submission:

Labcorp Genetics (formerly Invitae), Labcorp
Classification: Pathogenic for BAP1-related tumor predisposition syndrome. Last evaluated: 2021-01-25. Review status: criteria provided, single submitter. Criteria: Invitae Variant Classification Sherloc (09022015). Collection method: clinical testing. Allele origin: germline.
Comment: For these reasons, this variant has been classified as Pathogenic. Loss-of-function variants in BAP1 are known to be pathogenic (PMID: 21874000, 23684012). Algorithms developed to predict the effect of sequence changes on RNA splicing suggest that this variant may create or strengthen a splice site, but this prediction has not been confirmed by published transcriptional studies. This nonsense change has been observed in individual(s) with breast cancer (PMID: 28724667). This variant is not present in population databases (ExAC no frequency). This sequence change creates a premature translational stop signal (p.Tyr44*) in the BAP1 gene. It is expected to result in an absent or disrupted protein product.

Literature cited by the submitters: PubMed 21874000; PubMed 23684012; PubMed 28724667.

NM_004656.4(BAP1):c.132T>G (p.Tyr44Ter)

Gene: BAP1 (BRCA1 associated deubiquitinase 1; minus strand). Cytogenetic location: 3p21.1.
Variant type: single nucleotide variant.
Coding change: c.132T>G on transcript NM_004656.4 (MANE Select); coding-DNA position 132, T replaced by G.
Protein change: p.Tyr44Ter; replaces tyrosine 44 with a stop codon.
Molecular consequence: nonsense.
Genome position (GRCh38, 1-based): chr3:52,408,597, A>C on the plus strand (T>G on the coding strand, the complement: BAP1 is on the minus strand). VCF-style: chr3-52408597-A-C. GRCh37 (hg19) VCF-style: chr3-52442613-A-C.
Other names: short protein forms Y44*.
Identifiers: ClinVar variation 1073405 (VCV001073405.5), dbSNP rs1265456777, ClinGen allele CA353113780.